The following is an entry in ClinVar:

ClinVar aggregate classification (germline): Likely benign. Review status: criteria provided, multiple submitters, no conflicts (2 of 4 stars). 3 submissions from 3 submitters: Likely benign (2). 1 of the submissions does not count toward it. Last evaluated 2025-02-26.

Conditions:
SH2B1-related disorder. Also called: SH2B1-related condition.

Allele frequency attached by ClinVar (database versions not stated): gnomAD 0.00009 and 0.00010; TOPMed 0.00010; gnomAD exomes 0.00014; ExAC 0.00021.

Submissions (3):

Labcorp Genetics (formerly Invitae), Labcorp
Classification: Likely benign. Last evaluated: 2025-02-26. Review status: criteria provided, single submitter. Criteria: Invitae Variant Classification Sherloc (09022015). Collection method: clinical testing. Allele origin: germline.

Breakthrough Genomics
Classification: Likely benign. Review status: criteria provided, single submitter. Criteria: ACMG Guidelines, 2015. Collection method: not provided. Allele origin: germline. Inheritance: Unknown mechanism. Affected: yes.

PreventionGenetics, part of Exact Sciences
Classification: Likely benign for SH2B1-related condition. Last evaluated: 2019-10-14. Review status: no assertion criteria provided. Collection method: clinical testing. Allele origin: germline. Not counted in ClinVar's aggregate classification.
Comment: This variant is classified as likely benign based on ACMG/AMP sequence variant interpretation guidelines (Richards et al. 2015 PMID: 25741868, with internal and published modifications).

NM_001387430.1(SH2B1):c.2166C>T (p.Asp722=)

Gene: SH2B1 (SH2B adaptor protein 1; plus strand). Cytogenetic location: 16p11.2.
Variant type: single nucleotide variant.
Coding change: c.2166C>T on transcript NM_001387430.1 (MANE Select); coding-DNA position 2166, C replaced by T.
Protein change: p.Asp722=; no amino-acid change (aspartic acid 722 retained).
Molecular consequence: synonymous variant. On other transcripts: 3 prime UTR variant (5).
Genome position (GRCh38, 1-based): chr16:28,873,715, C>T. VCF-style: chr16-28873715-C-T. GRCh37 (hg19) VCF-style: chr16-28885036-C-T.
Other names: c.2166C>T, p.Asp722= (NM_001145795.2, NM_001308293.2, NM_001387404.1); c.*250C>T (NM_001145796.2, NM_001145812.2, NM_001308294.2 and 1 more transcripts); c.*267C>T (NM_001145797.2); c.2166C>T (NM_001145795.1).
Identifiers: ClinVar variation 1583869 (VCV001583869.11), dbSNP rs760421828, ClinGen allele CA7986446.